The following is an entry in ClinVar:

NM_001127222.2(CACNA1A):c.2401G>T (p.Glu801Ter)

Gene: CACNA1A (calcium voltage-gated channel subunit alpha1 A; minus strand). Cytogenetic location: 19p13.13.
Variant type: single nucleotide variant.
Coding change: c.2401G>T on transcript NM_001127222.2 (MANE Select); coding-DNA position 2401, G replaced by T.
Protein change: p.Glu801Ter; replaces glutamic acid 801 with a stop codon.
Molecular consequence: nonsense.
Genome position (GRCh38, 1-based): chr19:13,299,232, C>A on the plus strand (G>T on the coding strand, the complement: CACNA1A is on the minus strand). VCF-style: chr19-13299232-C-A. GRCh37 (hg19) VCF-style: chr19-13410046-C-A.
Other names: c.2413G>T, p.Glu805Ter (NM_000068.4, NM_023035.3); c.2404G>T, p.Glu802Ter (NM_001127221.2, NM_001174080.2); short protein forms E801*, E802*, E805*.
Identifiers: ClinVar variation 1074784 (VCV001074784.7), dbSNP rs1231997862, ClinGen allele CA404343529.

ClinVar aggregate classification (germline): Pathogenic (1 of 4 stars; one submission).

Conditions:
Developmental and epileptic encephalopathy, 42 (DEE42A). Also called: DEVELOPMENTAL AND EPILEPTIC ENCEPHALOPATHY 42A; EPILEPTIC ENCEPHALOPATHY, EARLY INFANTILE, 42A; Epileptic encephalopathy, early infantile, 42. Identifiers: MedGen C4310716, MONDO:0014917, OMIM 617106.
Episodic ataxia type 2 (EA2). Also called: EPISODIC ATAXIA, NYSTAGMUS-ASSOCIATED; ACETAZOLAMIDE-RESPONSIVE HEREDITARY PAROXYSMAL CEREBELLAR ATAXIA; ATAXIA, EPISODIC, WITH NYSTAGMUS; ATAXIA, FAMILIAL PAROXYSMAL; CEREBELLAR ATAXIA, PAROXYSMAL, ACETAZOLAMIDE-RESPONSIVE; CEREBELLOPATHY, HEREDITARY PAROXYSMAL. Identifiers: Orphanet 97, MedGen C1720416, MONDO:0007163, OMIM 108500.

Submission:

Labcorp Genetics (formerly Invitae), Labcorp
Classification: Pathogenic for Developmental and epileptic encephalopathy, 42; Episodic ataxia type 2. Last evaluated: 2023-08-07. Review status: criteria provided, single submitter. Criteria: Invitae Variant Classification Sherloc (09022015). Collection method: clinical testing. Allele origin: germline.
Comment: This sequence change creates a premature translational stop signal (p.Glu802*) in the CACNA1A gene. It is expected to result in an absent or disrupted protein product. Loss-of-function variants in CACNA1A are known to be pathogenic (PMID: 10371528, 19486177, 25735478, 27250579). This variant is not present in population databases (gnomAD no frequency). This variant has not been reported in the literature in individuals affected with CACNA1A-related conditions. ClinVar contains an entry for this variant (Variation ID: 1074784). For these reasons, this variant has been classified as Pathogenic.

Literature cited by the submitters: PubMed 10371528; PubMed 19486177; PubMed 25735478; PubMed 27250579.